The following is an entry in ClinVar:

ClinVar aggregate classification (germline): Uncertain significance (1 of 4 stars; one submission).

Submission:

Labcorp Genetics (formerly Invitae), Labcorp
Classification: Uncertain significance. Last evaluated: 2024-04-22. Review status: criteria provided, single submitter. Criteria: Invitae Variant Classification Sherloc (09022015). Collection method: clinical testing. Allele origin: germline.
Comment: This sequence change replaces glutamine, which is neutral and polar, with glutamic acid, which is acidic and polar, at codon 1877 of the ATR protein (p.Gln1877Glu). This variant is not present in population databases (gnomAD no frequency). This variant has not been reported in the literature in individuals affected with ATR-related conditions. An algorithm developed to predict the effect of missense changes on protein structure and function (PolyPhen-2) suggests that this variant¬¨‚Ä†is likely to be tolerated. In summary, the available evidence is currently insufficient to determine the role of this variant in disease. Therefore, it has been classified as a Variant of Uncertain Significance.

NM_001184.4(ATR):c.5629C>G (p.Gln1877Glu)

Gene: ATR (ATR checkpoint kinase; minus strand). Cytogenetic location: 3q23.
Variant type: single nucleotide variant.
Coding change: c.5629C>G on transcript NM_001184.4 (MANE Select); coding-DNA position 5629, C replaced by G.
Protein change: p.Gln1877Glu; replaces glutamine 1877 with glutamic acid.
Molecular consequence: missense variant.
Genome position (GRCh38, 1-based): chr3:142,497,122, G>C on the plus strand (C>G on the coding strand, the complement: ATR is on the minus strand). VCF-style: chr3-142497122-G-C. GRCh37 (hg19) VCF-style: chr3-142215964-G-C.
Other names: c.5437C>G, p.Gln1813Glu (NM_001354579.2); short protein forms Q1877E, Q1813E.
Identifiers: ClinVar variation 2769693 (VCV002769693.2), dbSNP rs2108336374, ClinGen allele CA354814814.
Genomic context (GRCh38, chr3:142,497,122, plus strand): 5'-TGGCTCTGTAGGAATTCTGGGTCATTTCTAGTCGAGCTACCCAGTTTAGAGAATCTTCTT[G>C]AGAACTGTCACCTGGAGAATGCTGGAAAAGTGGTTTGATGCTATGCTCCAACTCACATAA-3'
Protein context (NP_001175.2, residues 1867-1887): LFQHSPGDSS[Gln1877Glu]EDSLNWVARL